The following is an entry in ClinVar:

ClinVar aggregate classification (germline): Uncertain significance (1 of 4 stars; one submission).

Conditions:
Hereditary cancer-predisposing syndrome. Also called: Neoplastic Syndromes, Hereditary; Tumor predisposition; Hereditary neoplastic syndrome; Hereditary Cancer Syndrome. Identifiers: Orphanet 140162, MedGen C0027672, MeSH D009386, MONDO:0015356.
Cardiovascular phenotype. Identifiers: MedGen CN230736.

Submission:

Ambry Genetics
Classification: Uncertain significance for Cardiovascular phenotype; Hereditary cancer-predisposing syndrome. Last evaluated: 2023-12-18. Review status: criteria provided, single submitter. Criteria: Ambry Variant Classification Scheme 2023. Collection method: clinical testing. Allele origin: germline.
Comment: The p.M400L variant (also known as c.1198A>C), located in coding exon 11 of the LZTR1 gene, results from an A to C substitution at nucleotide position 1198. The methionine at codon 400 is replaced by leucine, an amino acid with highly similar properties. This amino acid position is conserved. In addition, the in silico prediction for this alteration is inconclusive. Since supporting evidence is limited at this time, the clinical significance of this alteration remains unclear.

NM_006767.4(LZTR1):c.1198A>C (p.Met400Leu)

Gene: LZTR1 (leucine zipper like post translational regulator 1; plus strand). Cytogenetic location: 22q11.21.
Variant type: single nucleotide variant.
Coding change: c.1198A>C on transcript NM_006767.4 (MANE Select); coding-DNA position 1198, A replaced by C.
Protein change: p.Met400Leu; replaces methionine 400 with leucine.
Molecular consequence: missense variant.
Genome position (GRCh38, 1-based): chr22:20,992,842, A>C. VCF-style: chr22-20992842-A-C. GRCh37 (hg19) VCF-style: chr22-21347131-A-C.
Other names: short protein forms M400L.
Identifiers: ClinVar variation 3238030 (VCV003238030.1), dbSNP rs2518618816.